The following is an entry in ClinVar:

NM_030957.4(ADAMTS10):c.2169T>A (p.Asp723Glu)

Gene: ADAMTS10 (ADAM metallopeptidase with thrombospondin type 1 motif 10; minus strand). Cytogenetic location: 19p13.2.
Variant type: single nucleotide variant.
Coding change: c.2169T>A on transcript NM_030957.4 (MANE Select); coding-DNA position 2169, T replaced by A.
Protein change: p.Asp723Glu; replaces aspartic acid 723 with glutamic acid.
Molecular consequence: missense variant.
Genome position (GRCh38, 1-based): chr19:8,586,886, A>T on the plus strand (T>A on the coding strand, the complement: ADAMTS10 is on the minus strand). VCF-style: chr19-8586886-A-T. GRCh37 (hg19) VCF-style: chr19-8651770-A-T.
Other names: c.630T>A, p.Asp210Glu (NM_001282352.2); short protein forms D723E, D210E.
Identifiers: ClinVar variation 2081644 (VCV002081644.4), dbSNP rs781966747, ClinGen allele CA9160180.

ClinVar aggregate classification (germline): Uncertain significance (1 of 4 stars; one submission).

Allele frequency attached by ClinVar (database versions not stated): gnomAD 0.00001; TOPMed 0.00001; ExAC 0.00002; gnomAD exomes 0.00002.
gnomAD v4.1: 13 of 1,614,052 alleles (0.00081%); highest among the groups gnomAD compares: Admixed American, 0.022%; no homozygotes.

Submission:

Labcorp Genetics (formerly Invitae), Labcorp
Classification: Uncertain significance. Last evaluated: 2023-11-15. Review status: criteria provided, single submitter. Criteria: Invitae Variant Classification Sherloc (09022015). Collection method: clinical testing. Allele origin: germline.
Comment: This sequence change replaces aspartic acid, which is acidic and polar, with glutamic acid, which is acidic and polar, at codon 723 of the ADAMTS10 protein (p.Asp723Glu). This variant is present in population databases (rs781966747, gnomAD 0.03%). This variant has not been reported in the literature in individuals affected with ADAMTS10-related conditions. ClinVar contains an entry for this variant (Variation ID: 2081644). Algorithms developed to predict the effect of missense changes on protein structure and function output the following: SIFT: "Not Available"; PolyPhen-2: "Benign"; Align-GVGD: "Not Available". The glutamic acid amino acid residue is found in multiple mammalian species, which suggests that this missense change does not adversely affect protein function. In summary, the available evidence is currently insufficient to determine the role of this variant in disease. Therefore, it has been classified as a Variant of Uncertain Significance.